The following is an entry in ClinVar:

ClinVar aggregate classification (germline): Likely pathogenic. Review status: criteria provided, single submitter (1 of 4 stars). 2 submissions from 2 submitters: Likely pathogenic (1). 1 of the submissions does not count toward it.

Conditions:
Pelizaeus-Merzbacher disease, atypical. Identifiers: MedGen C0751915.
Pelizaeus-Merzbacher disease. Also called: Pelizeaus-Merzbacher spectrum disorder; LEUKODYSTROPHY, HYPOMYELINATING, 1; Sudanophilic leukodystrophy; Pelizaeus-Merzbacher spectrum disorder; Pelizaeus-Merzbacher Disease (PMD). Identifiers: Orphanet 702, MedGen C0205711, MONDO:0010714, OMIM 312080, HP:0003269.

Submissions (2):

Molecular Diagnostics Lab, Nemours Children's Health, Delaware
Classification: Likely pathogenic for Pelizaeus-Merzbacher disease. Review status: criteria provided, single submitter. Criteria: ACMG Guidelines, 2015. Collection method: clinical testing. Allele origin: unknown. Affected: yes. Observed: 1 hemizygote.
Comment: This variant has not been observed in population databases (gnomAD). It as been reported in the literature, and functional studies show a reduction in PLP1 specific splicing (PMID 16287154, PMID 12325077, PMID 11071483, PMID 12601703, PMID 30195799).

OMIM
Classification: Pathogenic for PELIZAEUS-MERZBACHER DISEASE, ATYPICAL. Last evaluated: 2002-10-01. Review status: no assertion criteria provided. Collection method: literature only. Allele origin: germline. Not counted in ClinVar's aggregate classification.

Literature cited by the submitters: PubMed 16287154 (cited by Molecular Diagnostics Lab, Nemours Children's Health, Delaware); PubMed 12325077 (cited by Molecular Diagnostics Lab, Nemours Children's Health, Delaware and OMIM); PubMed 11071483 (cited by Molecular Diagnostics Lab, Nemours Children's Health, Delaware and OMIM); PubMed 12601703 (cited by Molecular Diagnostics Lab, Nemours Children's Health, Delaware); PubMed 30195799 (cited by Molecular Diagnostics Lab, Nemours Children's Health, Delaware).

NM_000533.5(PLP1):c.453+28_453+46del

Genes: PLP1 (proteolipid protein 1; plus strand), RAB9B (RAB9B, member RAS oncogene family; minus strand). Cytogenetic location: Xq22.2.
Variant type: Deletion.
Coding change: c.453+28_453+46del on transcript NM_000533.5 (MANE Select); bases 28 to 46 of the intron after coding-DNA position 453, 19 bases deleted (TAACAAGGGGTGGGGGAAA).
Molecular consequence: intron variant.
Genome position (GRCh38, 1-based): chrX:103,786,754-103,786,772, TAACAAGGGGTGGGGGAAA deleted; deleting any 19 consecutive bases within chrX:103,786,752-103,786,772 gives the same sequence; the c. name uses the placement nearest the transcript's 3' end. VCF-style (leftmost placement, unchanged base first): chrX-103786751-CAATAACAAGGGGTGGGGGA-C. GRCh37 (hg19) VCF-style: chrX-103041680-CAATAACAAGGGGTGGGGGA-C.
Other names: c.453+28_453+46del (NM_001128834.3); c.348+133_348+151del (NM_199478.3); c.288+28_288+46del (NM_001305004.1).
Identifiers: ClinVar variation 11097 (VCV000011097.4), dbSNP rs2522308926, ClinGen allele CA2580100118.